The following is an entry in ClinVar:

ClinVar aggregate classification (germline): Uncertain significance. Review status: criteria provided, multiple submitters, no conflicts (2 of 4 stars). 3 submissions from 3 submitters: Uncertain significance (3). Last evaluated 2026-06-17.

Conditions:
Cystic fibrosis (CF). Also called: MUCOVISCIDOSIS. Identifiers: Orphanet 586, MedGen C0010674, MONDO:0009061, OMIM 219700. Disease mechanism: loss of function.

Allele frequency attached by ClinVar (database versions not stated): ESP Exome Variant Server 0.00008.
gnomAD v4.1: 10 of 1,613,720 alleles (0.00062%); highest among the groups gnomAD compares: Non-Finnish European, 0.00068%; no homozygotes.

Submissions (3):

Women's Health and Genetics/Laboratory Corporation of America, LabCorp
Classification: Uncertain significance. Last evaluated: 2026-06-17. Review status: criteria provided, single submitter. Criteria: LabCorp Variant Classification Summary - May 2015. Collection method: clinical testing. Allele origin: germline.
Comment: Variant summary: CFTR c.2907A>G (p.Ala969Ala) alters a conserved nucleotide located close to a canonical splice site and therefore could affect mRNA splicing, leading to a significantly altered protein sequence. Several computational tools predict a significant impact on normal splicing: Three predict the variant abolishes or weakens a 5' donor site. Two predict the variant creates a 3' acceptor site. However, these predictions have yet to be confirmed by functional studies. The variant allele was found at a frequency of 1.2e-05 in 251120 control chromosomes. The available data on variant occurrences in the general population are insufficient to allow any conclusion about variant significance. c.2907A>G has been observed in individual(s) affected with CFTR-related conditions (e.g. Burgel_2024). These report(s) do not provide unequivocal conclusions about association of the variant with disease. To our knowledge, no experimental evidence demonstrating an impact on protein function has been reported. The following publication has been ascertained in the context of this evaluation (PMID: 39151434). ClinVar contains an entry for this variant (Variation ID: 1797521). Based on the evidence outlined above, the variant was classified as uncertain significance.

Ambry Genetics
Classification: Uncertain significance for Cystic fibrosis. Last evaluated: 2024-08-26. Review status: criteria provided, single submitter. Criteria: Ambry Variant Classification Scheme 2023. Collection method: clinical testing. Allele origin: germline.
Comment: The c.2907A>G variant (also known as p.A969A), located in coding exon 17 of the CFTR gene, results from an A to G substitution at nucleotide position 2907. This nucleotide substitution does not change the alanine at codon 969. This nucleotide position is well conserved in available vertebrate species. In silico splice site analysis predicts that this alteration will weaken the native splice donor site. Based on the available evidence, the clinical significance of this variant remains unclear.

Labcorp Genetics (formerly Invitae), Labcorp
Classification: Uncertain significance for Cystic fibrosis. Last evaluated: 2022-01-15. Review status: criteria provided, single submitter. Criteria: Invitae Variant Classification Sherloc (09022015). Collection method: clinical testing. Allele origin: germline.
Comment: Algorithms developed to predict the effect of sequence changes on RNA splicing suggest that this variant may disrupt the consensus splice site. In summary, the available evidence is currently insufficient to determine the role of this variant in disease. Therefore, it has been classified as a Variant of Uncertain Significance. This variant has not been reported in the literature in individuals affected with CFTR-related conditions. This variant is present in population databases (rs377502207, gnomAD 0.004%). This sequence change affects codon 969 of the CFTR mRNA. It is a 'silent' change, meaning that it does not change the encoded amino acid sequence of the CFTR protein. It affects a nucleotide within the consensus splice site.

Literature cited by the submitters: PubMed 39151434 (cited by Women's Health and Genetics/Laboratory Corporation of America, LabCorp).

NM_000492.4(CFTR):c.2907A>G (p.Ala969=)

Gene: CFTR (CF transmembrane conductance regulator; plus strand). Cytogenetic location: 7q31.2.
Variant type: single nucleotide variant.
Coding change: c.2907A>G on transcript NM_000492.4 (MANE Select); coding-DNA position 2907, A replaced by G.
Protein change: p.Ala969=; no amino-acid change (alanine 969 retained).
Molecular consequence: synonymous variant.
Genome position (GRCh38, 1-based): chr7:117,603,781, A>G. VCF-style: chr7-117603781-A-G. GRCh37 (hg19) VCF-style: chr7-117243835-A-G.
Identifiers: ClinVar variation 1797521 (VCV001797521.8), dbSNP rs377502207, ClinGen allele CA4451309.